The following is an entry in ClinVar:

ClinVar aggregate classification (germline): Uncertain significance (1 of 4 stars; one submission).

Conditions:
CEP164-related disorder. Also called: CEP164-related condition.

Submission:

PreventionGenetics, part of Exact Sciences
Classification: Uncertain significance for CEP164-related condition. Last evaluated: 2026-07-07. Review status: criteria provided, single submitter. Criteria: ACMG Guidelines, 2015. Collection method: clinical testing. Allele origin: germline.
Comment: The CEP164 c.2564A>G variant is predicted to result in the amino acid substitution p.Lys855Arg. To our knowledge, this variant has not been reported in the literature or in a large population database (gnomAD), indicating this variant is rare. At this time, the clinical significance of this variant is uncertain due to the absence of conclusive functional and genetic evidence.

NM_014956.5(CEP164):c.2564A>G (p.Lys855Arg)

Gene: CEP164 (centrosomal protein 164; plus strand). Cytogenetic location: 11q23.3.
Variant type: single nucleotide variant.
Coding change: c.2564A>G on transcript NM_014956.5 (MANE Select); coding-DNA position 2564, A replaced by G.
Protein change: p.Lys855Arg; replaces lysine 855 with arginine.
Molecular consequence: missense variant.
Genome position (GRCh38, 1-based): chr11:117,393,074, A>G. VCF-style: chr11-117393074-A-G. GRCh37 (hg19) VCF-style: chr11-117263790-A-G.
Other names: c.2573A>G, p.Lys858Arg (NM_001271933.2, NM_001440949.1); c.2564A>G, p.Lys855Arg (NM_001440950.1, NM_001440951.1, NM_001440953.1); c.2399A>G, p.Lys800Arg (NM_001440952.1, NM_001440968.1, NM_001440969.1); c.2486A>G, p.Lys829Arg (NM_001440954.1, NM_001440955.1, NM_001440958.1 and 1 more transcripts); c.2477A>G, p.Lys826Arg (NM_001440956.1, NM_001440957.1); c.2435A>G, p.Lys812Arg (NM_001440960.1); c.2426A>G, p.Lys809Arg (NM_001440961.1, NM_001440967.1); c.2417A>G, p.Lys806Arg (NM_001440962.1, NM_001440963.1, NM_001440964.1 and 4 more transcripts); and 7 more; short protein forms K759R, K785R, K855R, K736R, K812R, K829R, K858R, K809R.
Identifiers: ClinVar variation 4993882 (VCV004993882.1).